The following is an entry in ClinVar:

NM_005739.4(RASGRP1):c.233A>G (p.Asn78Ser)

Gene: RASGRP1 (RAS guanyl releasing protein 1; minus strand). Cytogenetic location: 15q14.
Variant type: single nucleotide variant.
Coding change: c.233A>G on transcript NM_005739.4 (MANE Select); coding-DNA position 233, A replaced by G.
Protein change: p.Asn78Ser; replaces asparagine 78 with serine.
Molecular consequence: missense variant.
Genome position (GRCh38, 1-based): chr15:38,526,392, T>C on the plus strand (A>G on the coding strand, the complement: RASGRP1 is on the minus strand). VCF-style: chr15-38526392-T-C. GRCh37 (hg19) VCF-style: chr15-38818593-T-C.
Other names: c.233A>G, p.Asn78Ser (NM_001128602.2, NM_001306086.2); short protein forms N78S.
Identifiers: ClinVar variation 2708429 (VCV002708429.3), dbSNP rs2141140664, ClinGen allele CA391658216.
Genomic context (GRCh38, chr15:38,526,392, plus strand): 5'-GAGATGACAATTCGGTGCATGGTCAGCATGACTTGCAACAGTTGGTTACTTCGACACAGG[T>C]TTCCATCTGCATCTGAAAATATAAAGAGCAGCACCTGAGTTAGGCCCTGGAGGGAAACTA-3'
Protein context (NP_005730.2, residues 68-88): SCIQSFDADG[Asn78Ser]LCRSNQLLQV

ClinVar aggregate classification (germline): Uncertain significance (1 of 4 stars; one submission).

Submission:

Labcorp Genetics (formerly Invitae), Labcorp
Classification: Uncertain significance. Last evaluated: 2024-01-09. Review status: criteria provided, single submitter. Criteria: Invitae Variant Classification Sherloc (09022015). Collection method: clinical testing. Allele origin: germline.
Comment: This sequence change replaces asparagine, which is neutral and polar, with serine, which is neutral and polar, at codon 78 of the RASGRP1 protein (p.Asn78Ser). This variant is not present in population databases (gnomAD no frequency). This variant has not been reported in the literature in individuals affected with RASGRP1-related conditions. Advanced modeling of protein sequence and biophysical properties (such as structural, functional, and spatial information, amino acid conservation, physicochemical variation, residue mobility, and thermodynamic stability) performed at Invitae indicates that this missense variant is not expected to disrupt RASGRP1 protein function with a negative predictive value of 80%. In summary, the available evidence is currently insufficient to determine the role of this variant in disease. Therefore, it has been classified as a Variant of Uncertain Significance.